The following is an entry in ClinVar:

ClinVar aggregate classification (germline): Uncertain significance (1 of 4 stars; one submission).

Conditions:
Cardiovascular phenotype. Identifiers: MedGen CN230736.

gnomAD v4.1: 1 of 1,613,732 alleles (0.000062%); highest among the groups gnomAD compares: Non-Finnish European, 0.000085%; no homozygotes.

Submission:

Ambry Genetics
Classification: Uncertain significance for Cardiovascular phenotype. Last evaluated: 2025-01-28. Review status: criteria provided, single submitter. Criteria: Ambry Variant Classification Scheme 2023. Collection method: clinical testing. Allele origin: germline.
Comment: The p.G3006R variant (also known as c.9016G>A), located in coding exon 25 of the TNXB gene, results from a G to A substitution at nucleotide position 9016. The glycine at codon 3006 is replaced by arginine, an amino acid with dissimilar properties. This amino acid position is conserved. In addition, this alteration is predicted to be tolerated by in silico analysis. Based on the available evidence, the clinical significance of this variant remains unclear.

NM_001365276.2(TNXB):c.9022G>A (p.Gly3008Arg)

Gene: TNXB (tenascin XB; minus strand). Cytogenetic location: 6p21.33.
Variant type: single nucleotide variant.
Coding change: c.9022G>A on transcript NM_001365276.2 (MANE Select); coding-DNA position 9022, G replaced by A.
Protein change: p.Gly3008Arg; replaces glycine 3008 with arginine.
Molecular consequence: missense variant.
Genome position (GRCh38, 1-based): chr6:32,052,763, C>T on the plus strand (G>A on the coding strand, the complement: TNXB is on the minus strand). VCF-style: chr6-32052763-C-T. GRCh37 (hg19) VCF-style: chr6-32020540-C-T.
Other names: c.9763G>A, p.Gly3255Arg (NM_001428335.1); c.9016G>A, p.Gly3006Arg (NM_019105.8); short protein forms G3008R, G3006R, G3255R.
Identifiers: ClinVar variation 3809341 (VCV003809341.1).